The following is an entry in ClinVar:

NM_007078.3(LDB3):c.896+6823C>T

Gene: LDB3 (LIM domain binding 3; plus strand). Cytogenetic location: 10q23.2.
Variant type: single nucleotide variant.
Coding change: c.896+6823C>T on transcript NM_007078.3 (MANE Select); 6823 bases into the intron after coding-DNA position 896, C replaced by T.
Molecular consequence: intron variant. On other transcripts: 3 prime UTR variant (6).
Genome position (GRCh38, 1-based): chr10:86,699,394, C>T. VCF-style: chr10-86699394-C-T. GRCh37 (hg19) VCF-style: chr10-88459151-C-T.
Other names: c.*20C>T (NM_001080115.2, NM_001080116.1, NM_001171611.2 and 3 more transcripts); c.896+6823C>T (NM_001368064.1, NM_001368065.1); c.1100+6823C>T (NM_001171610.2); c.755+6823C>T (NM_001368066.1, NM_001080114.2).
Identifiers: ClinVar variation 378081 (VCV000378081.2), dbSNP rs377726575, ClinGen allele CA5584991.

ClinVar aggregate classification (germline): Benign/Likely benign. Review status: criteria provided, multiple submitters, no conflicts (2 of 4 stars). 2 submissions from 2 submitters: Benign (1); Likely benign (1). Last evaluated 2024-11-08.

Allele frequency attached by ClinVar (database versions not stated): gnomAD exomes 0.00053 and 0.00131; ExAC 0.00058; gnomAD 0.00066 and 0.00069; TOPMed 0.00067; ESP Exome Variant Server 0.00099.
gnomAD v4.1: 2,035 of 1,613,378 alleles (0.13%); highest among the groups gnomAD compares: Non-Finnish European, 0.16%; 2 homozygotes.

Submissions (2):

Blueprint Genetics
Classification: Likely benign. Last evaluated: 2024-11-08. Review status: criteria provided, single submitter. Criteria: ACMG Guidelines, 2015. Collection method: clinical testing. Allele origin: germline.

GeneDx
Classification: Benign. Last evaluated: 2015-07-31. Review status: criteria provided, single submitter. Criteria: GeneDx Variant Classification (06012015). Collection method: clinical testing. Allele origin: germline. Affected: yes.
Comment: This variant is considered likely benign or benign based on one or more of the following criteria: it is a conservative change, it occurs at a poorly conserved position in the protein, it is predicted to be benign by multiple in silico algorithms, and/or has population frequency not consistent with disease.